The following is an entry in ClinVar:

ClinVar aggregate classification (germline): Benign/Likely benign. Review status: criteria provided, multiple submitters, no conflicts (2 of 4 stars). 6 submissions from 6 submitters: Benign (1); Likely benign (4). 1 of the submissions does not count toward it. Last evaluated 2026-01-25.

Conditions:
ALK-related disorder. Also called: ALK-related condition.
Hereditary cancer-predisposing syndrome. Also called: Tumor predisposition; Hereditary neoplastic syndrome; Hereditary Cancer Syndrome; Neoplastic Syndromes, Hereditary. Identifiers: Orphanet 140162, MedGen C0027672, MeSH D009386, MONDO:0015356.
Neuroblastoma, susceptibility to, 3. Also called: ALK-Related Neuroblastic Tumor Susceptibility. Identifiers: Orphanet 635, MedGen C2751681, MONDO:0013083, OMIM 613014.

Allele frequency attached by ClinVar (database versions not stated): ExAC 0.00001; gnomAD exomes 0.00002; TOPMed 0.00004; gnomAD 0.00005; ESP Exome Variant Server 0.00008; 1000 Genomes Project 30x 0.00016; 1000 Genomes Project 0.00020.
gnomAD v4.1: 213 of 1,614,170 alleles (0.013%); highest among the groups gnomAD compares: Non-Finnish European, 0.017%; no homozygotes.

Submissions (6):

Labcorp Genetics (formerly Invitae), Labcorp
Classification: Likely benign for Neuroblastoma, susceptibility to, 3. Last evaluated: 2026-01-25. Review status: criteria provided, single submitter. Criteria: Invitae Variant Classification Sherloc (09022015). Collection method: clinical testing. Allele origin: germline.

KCCC/NGS Laboratory, Kuwait Cancer Control Center
Classification: Benign for Neuroblastoma, susceptibility to, 3. Last evaluated: 2025-02-01. Review status: criteria provided, single submitter. Criteria: ACMG Guidelines, 2015. Collection method: clinical testing. Allele origin: germline. Affected: no.

CeGaT Center for Human Genetics Tuebingen
Classification: Likely benign. Last evaluated: 2024-01-01. Review status: criteria provided, single submitter. Criteria: CeGaT Center For Human Genetics Tuebingen Variant Classification Criteria Version 2. Collection method: clinical testing. Allele origin: germline. Affected: yes. Observed: 1 variant allele.
Comment: ALK: BP4, BP7

Blueprint Genetics
Classification: Likely benign. Last evaluated: 2021-03-05. Review status: criteria provided, single submitter. Criteria: ACMG Guidelines, 2015. Collection method: clinical testing. Allele origin: germline.

Ambry Genetics
Classification: Likely benign for Hereditary cancer-predisposing syndrome. Last evaluated: 2018-11-09. Review status: criteria provided, single submitter. Criteria: Ambry Variant Classification Scheme 2023. Collection method: clinical testing. Allele origin: germline.

PreventionGenetics, part of Exact Sciences
Classification: Likely benign for ALK-related condition. Last evaluated: 2022-03-28. Review status: no assertion criteria provided. Collection method: clinical testing. Allele origin: germline. Not counted in ClinVar's aggregate classification.
Comment: This variant is classified as likely benign based on ACMG/AMP sequence variant interpretation guidelines (Richards et al. 2015 PMID: 25741868, with internal and published modifications).

NM_004304.5(ALK):c.1107C>T (p.Asn369=)

Gene: ALK (ALK receptor tyrosine kinase; minus strand). Cytogenetic location: 2p23.2.
Variant type: single nucleotide variant.
Coding change: c.1107C>T on transcript NM_004304.5 (MANE Select); coding-DNA position 1107, C replaced by T.
Protein change: p.Asn369=; no amino-acid change (asparagine 369 retained).
Molecular consequence: synonymous variant.
Genome position (GRCh38, 1-based): chr2:29,531,962, G>A on the plus strand (C>T on the coding strand, the complement: ALK is on the minus strand). VCF-style: chr2-29531962-G-A. GRCh37 (hg19) VCF-style: chr2-29754828-G-A.
Identifiers: ClinVar variation 412920 (VCV000412920.41), dbSNP rs114429299, ClinGen allele CA1594767.